The following is an entry in ClinVar:

NM_005120.3(MED12):c.1618-8T>C

Genes: MED12 (mediator complex subunit 12; plus strand), LOC126863275 (BRD4-independent group 4 enhancer GRCh37_chrX:70342400-70343599; plus strand). Cytogenetic location: Xq13.1.
Variant type: single nucleotide variant.
Coding change: c.1618-8T>C on transcript NM_005120.3 (MANE Select); 8 bases into the intron before coding-DNA position 1618, T replaced by C.
Molecular consequence: intron variant.
Genome position (GRCh38, 1-based): chrX:71,123,586, T>C. VCF-style: chrX-71123586-T-C. GRCh37 (hg19) VCF-style: chrX-70343436-T-C.
Identifiers: ClinVar variation 384946 (VCV000384946.1), dbSNP rs1057522084, ClinGen allele CA16608980.

ClinVar aggregate classification (germline): Likely benign (1 of 4 stars; one submission).

Allele frequency attached by ClinVar (database versions not stated): gnomAD exomes below 0.00001.
gnomAD v4.1: 1 of 1,211,309 alleles (0.000083%); highest among the groups gnomAD compares: Non-Finnish European, 0.00011%; no homozygotes.

Submission:

GeneDx
Classification: Likely benign. Last evaluated: 2016-03-30. Review status: criteria provided, single submitter. Criteria: GeneDx Variant Classification (06012015). Collection method: clinical testing. Allele origin: germline. Affected: yes.
Comment: This variant is considered likely benign or benign based on one or more of the following criteria: it is a conservative change, it occurs at a poorly conserved position in the protein, it is predicted to be benign by multiple in silico algorithms, and/or has population frequency not consistent with disease.